The following is an entry in ClinVar:

ClinVar aggregate classification (germline): Likely benign. Review status: criteria provided, multiple submitters, no conflicts (2 of 4 stars). 3 submissions from 3 submitters: Likely benign (3). Last evaluated 2025-09-27.

Conditions:
Hereditary cancer-predisposing syndrome. Also called: Tumor predisposition; Neoplastic Syndromes, Hereditary; Hereditary neoplastic syndrome; Hereditary Cancer Syndrome. Identifiers: Orphanet 140162, MedGen C0027672, MeSH D009386, MONDO:0015356.
BAP1-related tumor predisposition syndrome (TPDS1). Also called: Tumor susceptibility linked to germline BAP1 mutations; BAP1 tumor predisposition syndrome; COMMON Syndrome; TUMOR PREDISPOSITION SYNDROME 1. Identifiers: Orphanet 289539, MedGen C3280492, MONDO:0013692, OMIM 614327.

Allele frequency attached by ClinVar (database versions not stated): gnomAD exomes below 0.00001.
gnomAD v4.1: 1 of 1,612,446 alleles (0.000062%); highest among the groups gnomAD compares: Admixed American, 0.0017%; no homozygotes.

Submissions (3):

Labcorp Genetics (formerly Invitae), Labcorp
Classification: Likely benign for BAP1-related tumor predisposition syndrome. Last evaluated: 2025-09-27. Review status: criteria provided, single submitter. Criteria: Invitae Variant Classification Sherloc (09022015). Collection method: clinical testing. Allele origin: germline.

Myriad Genetics, Inc.
Classification: Likely benign for BAP1-related tumor predisposition syndrome. Last evaluated: 2024-07-11. Review status: criteria provided, single submitter. Criteria: Myriad Autosomal Dominant, Autosomal Recessive and X-Linked Classification Criteria (2023). Collection method: clinical testing. Allele origin: unknown.
Comment: This variant is considered likely benign. This variant is intronic and is not expected to impact mRNA splicing.

Color Diagnostics, LLC DBA Color Health
Classification: Likely benign for Hereditary cancer-predisposing syndrome. Last evaluated: 2017-10-28. Review status: criteria provided, single submitter. Criteria: ACMG Guidelines, 2015. Collection method: clinical testing. Allele origin: germline.

NM_004656.4(BAP1):c.37+9G>T

Gene: BAP1 (BRCA1 associated deubiquitinase 1; minus strand). Cytogenetic location: 3p21.1.
Variant type: single nucleotide variant.
Coding change: c.37+9G>T on transcript NM_004656.4 (MANE Select); 9 bases into the intron after coding-DNA position 37, G replaced by T.
Molecular consequence: intron variant.
Genome position (GRCh38, 1-based): chr3:52,409,833, C>A on the plus strand (G>T on the coding strand, the complement: BAP1 is on the minus strand). VCF-style: chr3-52409833-C-A. GRCh37 (hg19) VCF-style: chr3-52443849-C-A.
Identifiers: ClinVar variation 630729 (VCV000630729.10), dbSNP rs1440785228, ClinGen allele CA542900763.